The following is an entry in ClinVar:

NM_001358530.2(MOCS1):c.583+6C>T

Gene: MOCS1 (molybdenum cofactor synthesis 1; minus strand). Cytogenetic location: 6p21.2.
Variant type: single nucleotide variant.
Coding change: c.583+6C>T on transcript NM_001358530.2 (MANE Select); 6 bases into the intron after coding-DNA position 583, C replaced by T.
Molecular consequence: intron variant.
Genome position (GRCh38, 1-based): chr6:39,916,062, G>A on the plus strand (C>T on the coding strand, the complement: MOCS1 is on the minus strand). VCF-style: chr6-39916062-G-A. GRCh37 (hg19) VCF-style: chr6-39883806-G-A.
Other names: p.?; c.322+6C>T (NM_001358531.2, NM_001358533.2, NM_001358534.2); c.583+6C>T (NM_001358529.2, NM_001075098.4, NM_005943.6).
Identifiers: ClinVar variation 356662 (VCV000356662.15), dbSNP rs111409017, ClinGen allele CA3796247.

ClinVar aggregate classification (germline): Benign. Review status: criteria provided, multiple submitters, no conflicts (2 of 4 stars). 4 submissions from 4 submitters: Benign (4). Last evaluated 2026-02-03.

Conditions:
Sulfite oxidase deficiency due to molybdenum cofactor deficiency type A. Also called: Molybdenum cofactor deficiency, complementation group A; Molybdenum Cofactor Deficiency A. Identifiers: Orphanet 308386, Orphanet 833, MedGen C1854988, MONDO:0009643, OMIM 252150.

Allele frequency attached by ClinVar (database versions not stated): gnomAD exomes 0.00771; ExAC 0.01525; 1000 Genomes Project 0.02656; 1000 Genomes Project 30x 0.02795; gnomAD 0.02910 and 0.03125; ESP Exome Variant Server 0.03160; TOPMed 0.03331.
gnomAD v4.1: 9,397 of 1,601,710 alleles (0.59%); highest among the groups gnomAD compares: African/African-American, 10%; 420 homozygotes.

Submissions (4):

Labcorp Genetics (formerly Invitae), Labcorp
Classification: Benign for Sulfite oxidase deficiency due to molybdenum cofactor deficiency type A. Last evaluated: 2026-02-03. Review status: criteria provided, single submitter. Criteria: Invitae Variant Classification Sherloc (09022015). Collection method: clinical testing. Allele origin: germline.

GeneDx
Classification: Benign. Last evaluated: 2021-05-04. Review status: criteria provided, single submitter. Criteria: GeneDx Variant Classification Process June 2021. Collection method: clinical testing. Allele origin: germline. Affected: yes.

Mayo Clinic Laboratories, Mayo Clinic
Classification: Benign. Last evaluated: 2018-04-10. Review status: criteria provided, single submitter. Criteria: ACMG Guidelines, 2015. Collection method: clinical testing. Allele origin: germline. Observed: 18 variant alleles.

Illumina Laboratory Services, Illumina
Classification: Benign for Sulfite oxidase deficiency due to molybdenum cofactor deficiency type A. Last evaluated: 2018-01-12. Review status: criteria provided, single submitter. Criteria: ICSL Variant Classification Criteria 13 December 2019. Collection method: clinical testing. Allele origin: germline.
Comment: This variant was observed in the ICSL laboratory as part of a predisposition screen in an ostensibly healthy population. It had not been previously curated by ICSL or reported in the Human Gene Mutation Database (HGMD: prior to June 1st, 2018), and was therefore a candidate for classification through an automated scoring system. Utilizing variant allele frequency, disease prevalence and penetrance estimates, and inheritance mode, an automated score was calculated to assess if this variant is too frequent to cause the disease. Based on the score and internal cut-off values, a variant classified as benign is not then subjected to further curation. The score for this variant resulted in a classification of benign for this disease.